The following is an entry in ClinVar:

NM_001042492.3(NF1):c.6746T>G (p.Leu2249Arg)

Gene: NF1 (neurofibromin 1; plus strand). Cytogenetic location: 17q11.2.
Variant type: single nucleotide variant.
Coding change: c.6746T>G on transcript NM_001042492.3 (MANE Select); coding-DNA position 6746, T replaced by G.
Protein change: p.Leu2249Arg; replaces leucine 2249 with arginine.
Molecular consequence: missense variant.
Genome position (GRCh38, 1-based): chr17:31,338,066, T>G. VCF-style: chr17-31338066-T-G. GRCh37 (hg19) VCF-style: chr17-29665084-T-G.
Other names: c.6683T>G, p.Leu2228Arg (NM_000267.4); short protein forms L2228R, L2249R.
Identifiers: ClinVar variation 1367155 (VCV001367155.10), dbSNP rs2151558158, ClinGen allele CA399014071.
Genomic context (GRCh38, chr17:31,338,066, plus strand): 5'-GTGGATCTTTTAATTGCAGATTTGCATTCCAATATAATCCATCCCTGCAACCAAGAGCTC[T>G]TGTTGTCTTTGGGTGTATTAGCAAACGAGTGTCTCATGGGCAGATAAAGCAGATAATCCG-3'
Protein context (NP_001035957.1, residues 2239-2259): QYNPSLQPRA[Leu2249Arg]VVFGCISKRV

ClinVar aggregate classification (germline): Uncertain significance. Review status: criteria provided, multiple submitters, no conflicts (2 of 4 stars). 2 submissions from 2 submitters: Uncertain significance (2). Last evaluated 2022-09-25.

Conditions:
Cardiovascular phenotype. Identifiers: MedGen CN230736.
Hereditary cancer-predisposing syndrome. Also called: Hereditary neoplastic syndrome; Hereditary Cancer Syndrome; Neoplastic Syndromes, Hereditary; Tumor predisposition. Identifiers: Orphanet 140162, MedGen C0027672, MeSH D009386, MONDO:0015356.
Neurofibromatosis, type 1 (NF1). Also called: Peripheral type neurofibromatosis; Neurofibromatosis, type I; NEUROFIBROMATOSIS, TYPE I, SOMATIC; VON RECKLINGHAUSEN DISEASE. Identifiers: Orphanet 636, MedGen C0027831, MONDO:0018975, OMIM 162200. Disease mechanism: loss of function.

Submissions (2):

Ambry Genetics
Classification: Uncertain significance for Cardiovascular phenotype; Hereditary cancer-predisposing syndrome. Last evaluated: 2022-09-25. Review status: criteria provided, single submitter. Criteria: Ambry Variant Classification Scheme 2023. Collection method: clinical testing. Allele origin: germline.
Comment: The p.L2228R variant (also known as c.6683T>G), located in coding exon 44 of the NF1 gene, results from a T to G substitution at nucleotide position 6683. The leucine at codon 2228 is replaced by arginine, an amino acid with dissimilar properties. This amino acid position is conserved. In addition, this alteration is predicted to be deleterious by in silico analysis. Since supporting evidence is limited at this time, the clinical significance of this alteration remains unclear.

Labcorp Genetics (formerly Invitae), Labcorp
Classification: Uncertain significance for Neurofibromatosis, type 1. Last evaluated: 2021-07-13. Review status: criteria provided, single submitter. Criteria: Invitae Variant Classification Sherloc (09022015). Collection method: clinical testing. Allele origin: germline.
Comment: This sequence change replaces leucine with arginine at codon 2228 of the NF1 protein (p.Leu2228Arg). The leucine residue is moderately conserved and there is a moderate physicochemical difference between leucine and arginine. In summary, the available evidence is currently insufficient to determine the role of this variant in disease. Therefore, it has been classified as a Variant of Uncertain Significance. Advanced modeling of protein sequence and biophysical properties (such as structural, functional, and spatial information, amino acid conservation, physicochemical variation, residue mobility, and thermodynamic stability) performed at Invitae indicates that this missense variant is expected to disrupt NF1 protein function. This variant has not been reported in the literature in individuals affected with NF1-related conditions. This variant is not present in population databases (ExAC no frequency).